The following is an entry in ClinVar:

NM_201384.3(PLEC):c.8846G>A (p.Arg2949Gln)

Gene: PLEC (plectin; minus strand). Cytogenetic location: 8q24.3.
Variant type: single nucleotide variant.
Coding change: c.8846G>A on transcript NM_201384.3 (MANE Select); coding-DNA position 8846, G replaced by A.
Protein change: p.Arg2949Gln; replaces arginine 2949 with glutamine.
Molecular consequence: missense variant.
Genome position (GRCh38, 1-based): chr8:143,920,975, C>T on the plus strand (G>A on the coding strand, the complement: PLEC is on the minus strand). VCF-style: chr8-143920975-C-T. GRCh37 (hg19) VCF-style: chr8-144995143-C-T.
Other names: c.8846G>A, p.Arg2949Gln (NM_201382.4); c.8858G>A, p.Arg2953Gln (NM_201383.3); c.8927G>A, p.Arg2976Gln (NM_000445.5); c.5546G>A, p.Arg1849Gln (NM_001410941.1); c.8804G>A, p.Arg2935Gln (NM_201378.4); c.8780G>A, p.Arg2927Gln (NM_201379.3); c.9257G>A, p.Arg3086Gln (NM_201380.4); c.8750G>A, p.Arg2917Gln (NM_201381.3); short protein forms R3086Q, R2976Q, R1849Q, R2917Q, R2927Q, R2935Q, R2949Q, R2953Q.
Identifiers: ClinVar variation 2109945 (VCV002109945.4), dbSNP rs781940132, ClinGen allele CA4925161.

ClinVar aggregate classification (germline): Uncertain significance (1 of 4 stars; one submission).

Conditions:
Epidermolysis bullosa simplex 5C, with pyloric atresia (EBS5C). Also called: PLEC-Related Epidermolysis Bullosa with Pyloric Atresia; Epidermolysis bullosa simplex with pyloric atresia; PLEC1-Related Epidermolysis Bullosa with Pyloric Atresia. Identifiers: Orphanet 158684, MedGen C2677349, MONDO:0012807, OMIM 612138.
Autosomal recessive limb-girdle muscular dystrophy type 2Q (LGMDR17). Also called: MUSCULAR DYSTROPHY, LIMB-GIRDLE, AUTOSOMAL RECESSIVE 17. Identifiers: Orphanet 254361, MedGen C3150989, MONDO:0013390, OMIM 613723.
Epidermolysis bullosa simplex, Ogna type (EBS5A). Also called: Pidermolysis bullosa simplex 5A, Ogna type; EPIDERMOLYSIS BULLOSA SIMPLEX 5A, OGNA TYPE. Identifiers: Orphanet 79401, MedGen C0432317, MONDO:0007555, OMIM 131950.
Epidermolysis bullosa simplex 5B, with muscular dystrophy (EBS5B). Also called: Epidermolysis bullosa simplex with muscular dystrophy; EPIDERMOLYSIS BULLOSA SIMPLEX AND LIMB-GIRDLE MUSCULAR DYSTROPHY. Identifiers: Orphanet 257, MedGen C2931072, MONDO:0009181, OMIM 226670.
Epidermolysis bullosa simplex with nail dystrophy (EBS5D). Identifiers: MedGen C4225309, MONDO:0014661, OMIM 616487.

Allele frequency attached by ClinVar (database versions not stated): ExAC 0.00001.
gnomAD v4.1: 22 of 1,613,008 alleles (0.0014%); highest among the groups gnomAD compares: South Asian, 0.0066%; no homozygotes.

Submission:

Labcorp Genetics (formerly Invitae), Labcorp
Classification: Uncertain significance for Autosomal recessive limb-girdle muscular dystrophy type 2Q; Epidermolysis bullosa simplex, Ogna type; Epidermolysis bullosa simplex with nail dystrophy; Epidermolysis bullosa simplex 5C, with pyloric atresia; Epidermolysis bullosa simplex 5B, with muscular dystrophy. Last evaluated: 2025-10-02. Review status: criteria provided, single submitter. Criteria: Invitae Variant Classification Sherloc (09022015). Collection method: clinical testing. Allele origin: germline.
Comment: This sequence change replaces arginine, which is basic and polar, with glutamine, which is neutral and polar, at codon 2976 of the PLEC protein (p.Arg2976Gln). This variant is present in population databases (rs781940132, gnomAD 0.006%). This variant has not been reported in the literature in individuals affected with PLEC-related conditions. ClinVar contains an entry for this variant (Variation ID: 2109945). An algorithm developed to predict the effect of missense changes on protein structure and function (PolyPhen-2) suggests that this variant is likely to be disruptive. In summary, the available evidence is currently insufficient to determine the role of this variant in disease. Therefore, it has been classified as a Variant of Uncertain Significance.